The following is an entry in ClinVar:

NM_001077525.3(MTMR14):c.260G>A (p.Arg87Gln)

Gene: MTMR14 (myotubularin related protein 14; plus strand). Cytogenetic location: 3p25.3.
Variant type: single nucleotide variant.
Coding change: c.260G>A on transcript NM_001077525.3 (MANE Select); coding-DNA position 260, G replaced by A.
Protein change: p.Arg87Gln; replaces arginine 87 with glutamine.
Molecular consequence: missense variant.
Genome position (GRCh38, 1-based): chr3:9,653,721, G>A. VCF-style: chr3-9653721-G-A. GRCh37 (hg19) VCF-style: chr3-9695405-G-A.
Other names: c.260G>A, p.Arg87Gln (NM_001077526.3, NM_022485.5); c.260G>A (NM_022485.4); short protein forms R87Q.
Identifiers: ClinVar variation 1363202 (VCV001363202.9), dbSNP rs189325962, ClinGen allele CA2240207.

ClinVar aggregate classification (germline): Conflicting classifications of pathogenicity. Review status: criteria provided, conflicting classifications (1 of 4 stars). 2 submissions from 2 submitters: Uncertain significance (1); Likely benign (1). Last evaluated 2025-12-01.

Allele frequency attached by ClinVar (database versions not stated): ExAC 0.00002; gnomAD 0.00004 and 0.00003; TOPMed 0.00003; gnomAD exomes 0.00007 and 0.00003; 1000 Genomes Project 30x 0.00016; 1000 Genomes Project 0.00020.
gnomAD v4.1: 103 of 1,614,144 alleles (0.0064%); highest among the groups gnomAD compares: Admixed American, 0.012%; no homozygotes.

Submissions (2):

Labcorp Genetics (formerly Invitae), Labcorp
Classification: Uncertain significance. Last evaluated: 2025-12-01. Review status: criteria provided, single submitter. Criteria: Invitae Variant Classification Sherloc (09022015). Collection method: clinical testing. Allele origin: germline.
Comment: This sequence change replaces arginine, which is basic and polar, with glutamine, which is neutral and polar, at codon 87 of the MTMR14 protein (p.Arg87Gln). This variant is present in population databases (rs189325962, gnomAD 0.01%). This variant has not been reported in the literature in individuals affected with MTMR14-related conditions. ClinVar contains an entry for this variant (Variation ID: 1363202). Invitae Evidence Modeling of protein sequence and biophysical properties (such as structural, functional, and spatial information, amino acid conservation, physicochemical variation, residue mobility, and thermodynamic stability) indicates that this missense variant is not expected to disrupt MTMR14 protein function with a negative predictive value of 80%. In summary, the available evidence is currently insufficient to determine the role of this variant in disease. Therefore, it has been classified as a Variant of Uncertain Significance.

Ambry Genetics
Classification: Likely benign. Last evaluated: 2022-05-06. Review status: criteria provided, single submitter. Criteria: Ambry Variant Classification Scheme 2023. Collection method: clinical testing. Allele origin: germline.